The following is an entry in ClinVar:

ClinVar aggregate classification (germline): Uncertain significance (1 of 4 stars; one submission).

Conditions:
Congenital sideroblastic anemia-B-cell immunodeficiency-periodic fever-developmental delay syndrome. Also called: Sideroblastic anemia with B-cell immunodeficiency, periodic fevers, and developmental delay. Identifiers: Orphanet 369861, MedGen C4015172, MONDO:0014487, OMIM 616084.

Allele frequency attached by ClinVar (database versions not stated): TOPMed below 0.00001.

Submission:

Labcorp Genetics (formerly Invitae), Labcorp
Classification: Uncertain significance for Congenital sideroblastic anemia-B-cell immunodeficiency-periodic fever-developmental delay syndrome. Last evaluated: 2023-11-28. Review status: criteria provided, single submitter. Criteria: Invitae Variant Classification Sherloc (09022015). Collection method: clinical testing. Allele origin: germline.
Comment: This sequence change replaces threonine, which is neutral and polar, with isoleucine, which is neutral and non-polar, at codon 141 of the TRNT1 protein (p.Thr141Ile). This variant is not present in population databases (gnomAD no frequency). This variant has not been reported in the literature in individuals affected with TRNT1-related conditions. ClinVar contains an entry for this variant (Variation ID: 1364043). Advanced modeling of protein sequence and biophysical properties (such as structural, functional, and spatial information, amino acid conservation, physicochemical variation, residue mobility, and thermodynamic stability) performed at Invitae indicates that this missense variant is not expected to disrupt TRNT1 protein function with a negative predictive value of 80%. Algorithms developed to predict the effect of sequence changes on RNA splicing suggest that this variant may create or strengthen a splice site. In summary, the available evidence is currently insufficient to determine the role of this variant in disease. Therefore, it has been classified as a Variant of Uncertain Significance.

NM_182916.3(TRNT1):c.422C>T (p.Thr141Ile)

Gene: TRNT1 (tRNA nucleotidyl transferase 1; plus strand). Cytogenetic location: 3p26.2.
Variant type: single nucleotide variant.
Coding change: c.422C>T on transcript NM_182916.3 (MANE Select); coding-DNA position 422, C replaced by T.
Protein change: p.Thr141Ile; replaces threonine 141 with isoleucine.
Molecular consequence: missense variant. On other transcripts: non-coding transcript variant (6).
Genome position (GRCh38, 1-based): chr3:3,140,589, C>T. VCF-style: chr3-3140589-C-T. GRCh37 (hg19) VCF-style: chr3-3182273-C-T.
Other names: c.422C>T, p.Thr141Ile (NM_001302946.2, NM_001367321.1, NM_001367322.1 and 1 more transcripts); short protein forms T141I.
Identifiers: ClinVar variation 1364043 (VCV001364043.8), dbSNP rs1276258304, ClinGen allele CA351444072.